The following is an entry in ClinVar:

ClinVar aggregate classification (germline): Pathogenic (1 of 4 stars; one submission).

Submission:

Labcorp Genetics (formerly Invitae), Labcorp
Classification: Pathogenic. Last evaluated: 2021-09-14. Review status: criteria provided, single submitter. Criteria: Invitae Variant Classification Sherloc (09022015). Collection method: clinical testing. Allele origin: germline.
Comment: This sequence change creates a premature translational stop signal (p.Met61Cysfs*11) in the CLRN1 gene. It is expected to result in an absent or disrupted protein product. Loss-of-function variants in CLRN1 are known to be pathogenic (PMID: 11524702, 24498627). This variant is not present in population databases (ExAC no frequency). This premature translational stop signal has been observed in individual(s) with Usher syndrome (PMID: 18273898). For these reasons, this variant has been classified as Pathogenic.

Literature cited by the submitters: PubMed 11524702; PubMed 24498627; PubMed 18273898.

NM_174878.3(CLRN1):c.181del (p.Met61fs)

Gene: CLRN1 (clarin 1; minus strand). Cytogenetic location: 3q25.1.
Variant type: Deletion.
Coding change: c.181del on transcript NM_174878.3 (MANE Select); coding-DNA position 181, one base deleted (A; older notation c.181delA).
Protein change: p.Met61fs; shifts the reading frame from methionine 61.
Molecular consequence: frameshift variant. On other transcripts: non-coding transcript variant (1).
Genome position (GRCh38, 1-based): chr3:150,972,528, T deleted on the plus strand (A on the coding strand, the reverse complement: CLRN1 is on the minus strand); the first of 3 consecutive T bases (chr3:150,972,528-150,972,530); deleting any one gives the same sequence. VCF-style (leftmost placement, unchanged base first): chr3-150972527-AT-A. GRCh37 (hg19) VCF-style: chr3-150690314-AT-A.
Other names: c.181del, p.Met61fs (NM_001195794.1, NM_001256819.2); short protein forms M61fs.
Identifiers: ClinVar variation 1455436 (VCV001455436.6), dbSNP rs2107996885, ClinGen allele CA2573136704.
Genomic context (GRCh38, chr3:150,972,527, plus strand): 5'-AAGGGCCTTGCTCCCAACCCACACTGCCTCACACCCTCTCCGTGGAAAAGCCCGTACTGC[AT>A]TTCACCCATAAACTTGTCCAGCTCCTGCCCTGAGGCATTGACGAGCAGAGCTCCCGTTTT-3'